The following is an entry in ClinVar:

ClinVar aggregate classification (germline): Benign (1 of 4 stars; one submission).

Allele frequency attached by ClinVar (database versions not stated): gnomAD 0.01706 and 0.01813; TOPMed 0.01914; 1000 Genomes Project 0.01997; 1000 Genomes Project 30x 0.02249.
gnomAD v4.1: 2,578 of 152,362 alleles (1.7%); highest among the groups gnomAD compares: African/African-American, 5.7%; 82 homozygotes.

Submission:

GeneDx
Classification: Benign. Last evaluated: 2018-06-16. Review status: criteria provided, single submitter. Criteria: GeneDx Variant Classification (06012015). Collection method: clinical testing. Allele origin: germline. Affected: yes.
Comment: This variant is considered likely benign or benign based on one or more of the following criteria: it is a conservative change, it occurs at a poorly conserved position in the protein, it is predicted to be benign by multiple in silico algorithms, and/or has population frequency not consistent with disease.

NM_004369.4(COL6A3):c.8464+196T>A

Gene: COL6A3 (collagen type VI alpha 3 chain; minus strand). Cytogenetic location: 2q37.3.
Variant type: single nucleotide variant.
Coding change: c.8464+196T>A on transcript NM_004369.4 (MANE Select); 196 bases into the intron after coding-DNA position 8464, T replaced by A.
Molecular consequence: intron variant.
Genome position (GRCh38, 1-based): chr2:237,340,256, A>T on the plus strand (T>A on the coding strand, the complement: COL6A3 is on the minus strand). VCF-style: chr2-237340256-A-T. GRCh37 (hg19) VCF-style: chr2-238248899-A-T.
Other names: c.6643+196T>A (NM_057166.5); c.7846+196T>A (NM_057167.4).
Identifiers: ClinVar variation 679535 (VCV000679535.1), dbSNP rs113907246, ClinGen allele CA67835199.